The following is an entry in ClinVar:

ClinVar aggregate classification (germline): Pathogenic (1 of 4 stars; one submission).

Allele frequency attached by ClinVar (database versions not stated): TOPMed below 0.00001; ExAC 0.00003.
gnomAD v4.1: 10 of 1,604,352 alleles (0.00062%); highest among the groups gnomAD compares: South Asian, 0.0045%; no homozygotes.

Submission:

Labcorp Genetics (formerly Invitae), Labcorp
Classification: Pathogenic. Last evaluated: 2024-04-16. Review status: criteria provided, single submitter. Criteria: Invitae Variant Classification Sherloc (09022015). Collection method: clinical testing. Allele origin: germline.
Comment: This sequence change creates a premature translational stop signal (p.Arg2032*) in the MYO15A gene. It is expected to result in an absent or disrupted protein product. Loss-of-function variants in MYO15A are known to be pathogenic (PMID: 17546645). The frequency data for this variant in the population databases is considered unreliable, as metrics indicate poor data quality at this position in the gnomAD database. This variant has not been reported in the literature in individuals affected with MYO15A-related conditions. ClinVar contains an entry for this variant (Variation ID: 2108471). For these reasons, this variant has been classified as Pathogenic.

Literature cited by the submitters: PubMed 17546645.

NM_016239.4(MYO15A):c.6094C>T (p.Arg2032Ter)

Gene: MYO15A (myosin XVA; plus strand). Cytogenetic location: 17p11.2.
Variant type: single nucleotide variant.
Coding change: c.6094C>T on transcript NM_016239.4 (MANE Select); coding-DNA position 6094, C replaced by T.
Protein change: p.Arg2032Ter; replaces arginine 2032 with a stop codon.
Molecular consequence: nonsense.
Genome position (GRCh38, 1-based): chr17:18,143,917, C>T. VCF-style: chr17-18143917-C-T. GRCh37 (hg19) VCF-style: chr17-18047231-C-T.
Other names: short protein forms R2032*.
Identifiers: ClinVar variation 2108471 (VCV002108471.4), dbSNP rs771453959, ClinGen allele CA8424496.
Genomic context (GRCh38, chr17:18,143,917, plus strand): 5'-CCTCTTTCCACAGGCCTCGGGCTGGCCCAGGTGCCTCAGGTGGCCCCTGTGAGGACTCCT[C>T]GACTCCAGGCTGAGCCCCGTGTCACACTGCCCCTGGACATCAACAACTATCCTATGGCCA-3'